The following is an entry in ClinVar:

ClinVar aggregate classification (germline): Uncertain significance (1 of 4 stars; one submission).

Allele frequency attached by ClinVar (database versions not stated): gnomAD exomes below 0.00001.
gnomAD v4.1: 1 of 1,613,076 alleles (0.000062%); highest among the groups gnomAD compares: Admixed American, 0.0017%; no homozygotes.

Submission:

Labcorp Genetics (formerly Invitae), Labcorp
Classification: Uncertain significance. Last evaluated: 2022-09-23. Review status: criteria provided, single submitter. Criteria: Invitae Variant Classification Sherloc (09022015). Collection method: clinical testing. Allele origin: germline.
Comment: In summary, the available evidence is currently insufficient to determine the role of this variant in disease. Therefore, it has been classified as a Variant of Uncertain Significance. Advanced modeling of protein sequence and biophysical properties (such as structural, functional, and spatial information, amino acid conservation, physicochemical variation, residue mobility, and thermodynamic stability) performed at Invitae indicates that this missense variant is expected to disrupt FBN3 protein function. This variant has not been reported in the literature in individuals affected with FBN3-related conditions. This variant is not present in population databases (gnomAD no frequency). This sequence change replaces glycine, which is neutral and non-polar, with glutamic acid, which is acidic and polar, at codon 843 of the FBN3 protein (p.Gly843Glu).

NM_032447.5(FBN3):c.2528G>A (p.Gly843Glu)

Gene: FBN3 (fibrillin 3; minus strand). Cytogenetic location: 19p13.2.
Variant type: single nucleotide variant.
Coding change: c.2528G>A on transcript NM_032447.5 (MANE Select); coding-DNA position 2528, G replaced by A.
Protein change: p.Gly843Glu; replaces glycine 843 with glutamic acid.
Molecular consequence: missense variant.
Genome position (GRCh38, 1-based): chr19:8,126,494, C>T on the plus strand (G>A on the coding strand, the complement: FBN3 is on the minus strand). VCF-style: chr19-8126494-C-T. GRCh37 (hg19) VCF-style: chr19-8191378-C-T.
Other names: c.2528G>A, p.Gly843Glu (NM_001321431.2); short protein forms G843E.
Identifiers: ClinVar variation 2097121 (VCV002097121.4), dbSNP rs2512891794, ClinGen allele CA403697534.